The following is an entry in ClinVar:

ClinVar aggregate classification (germline): Benign. Review status: criteria provided, multiple submitters, no conflicts (2 of 4 stars). 3 submissions from 3 submitters: Benign (2). 1 of the submissions does not count toward it. Last evaluated 2026-01-28.

Conditions:
MDM2-related condition.
Accelerated tumor formation, susceptibility to (ACTFS). Identifiers: MedGen C3280690, OMIM 614401, MONDO:0013733.

Allele frequency attached by ClinVar (database versions not stated): 1000 Genomes Project 0.01278; gnomAD exomes 0.01422; 1000 Genomes Project 30x 0.01437; ExAC 0.01536; gnomAD 0.01833 and 0.01920; TOPMed 0.01854; ESP Exome Variant Server 0.02001.
gnomAD v4.1: 24,451 of 1,613,910 alleles (1.5%); highest among the groups gnomAD compares: African/African-American, 2.9%; 225 homozygotes.

Submissions (3):

Labcorp Genetics (formerly Invitae), Labcorp
Classification: Benign for Accelerated tumor formation, susceptibility to. Last evaluated: 2026-01-28. Review status: criteria provided, single submitter. Criteria: Invitae Variant Classification Sherloc (09022015). Collection method: clinical testing. Allele origin: germline.

Breakthrough Genomics
Classification: Benign. Review status: criteria provided, single submitter. Criteria: ACMG Guidelines, 2015. Collection method: not provided. Allele origin: germline. Inheritance: Autosomal recessive inheritance. Affected: yes.

PreventionGenetics, part of Exact Sciences
Classification: Benign for MDM2-related condition. Last evaluated: 2024-06-14. Review status: no assertion criteria provided. Collection method: clinical testing. Allele origin: germline. Not counted in ClinVar's aggregate classification.
Comment: This variant is classified as benign based on ACMG/AMP sequence variant interpretation guidelines (Richards et al. 2015 PMID: 25741868, with internal and published modifications).

NM_002392.6(MDM2):c.607C>T (p.Leu203=)

Gene: MDM2 (MDM2 proto-oncogene; plus strand). Cytogenetic location: 12q15.
Variant type: single nucleotide variant.
Coding change: c.607C>T on transcript NM_002392.6 (MANE Select); coding-DNA position 607, C replaced by T.
Protein change: p.Leu203=; no amino-acid change (leucine 203 retained).
Molecular consequence: synonymous variant. On other transcripts: intron variant (2).
Genome position (GRCh38, 1-based): chr12:68,828,854, C>T. VCF-style: chr12-68828854-C-T. GRCh37 (hg19) VCF-style: chr12-69222634-C-T.
Other names: c.589C>T, p.Leu197= (NM_001145337.3, NM_001367990.1); c.442C>T, p.Leu148= (NM_001145339.2); c.157-6975C>T (NM_001278462.2, NM_001145340.3).
Identifiers: ClinVar variation 472749 (VCV000472749.12), dbSNP rs1795480, ClinGen allele CA6678725.
Genomic context (GRCh38, chr12:68,828,854, plus strand): 5'-GGTGAACGACAAAGAAAACGCCACAAATCTGATAGTATTTCCCTTTCCTTTGATGAAAGC[C>T]TGGCTCTGTGTGTAATAAGGGAGATATGTTGTGAAAGAAGCAGTAGCAGTGAATCTACAG-3'
Protein context (NP_002383.2, residues 193-213): DSISLSFDES[Leu203=]ALCVIREICC